The following is an entry in ClinVar:

ClinVar aggregate classification (germline): Likely benign. Review status: criteria provided, multiple submitters, no conflicts (2 of 4 stars). 2 submissions from 2 submitters: Likely benign (2). Last evaluated 2025-10-16.

Allele frequency attached by ClinVar (database versions not stated): gnomAD 0.00003 and 0.00004; gnomAD exomes 0.00003; ExAC 0.00005; TOPMed 0.00006; ESP Exome Variant Server 0.00009.
gnomAD v4.1: 34 of 1,198,724 alleles (0.0028%); highest among the groups gnomAD compares: East Asian, 0.009%; no homozygotes.

Submissions (2):

Labcorp Genetics (formerly Invitae), Labcorp
Classification: Likely benign. Last evaluated: 2025-10-16. Review status: criteria provided, single submitter. Criteria: Invitae Variant Classification Sherloc (09022015). Collection method: clinical testing. Allele origin: germline.

GeneDx
Classification: Likely benign. Last evaluated: 2016-10-17. Review status: criteria provided, single submitter. Criteria: GeneDx Variant Classification (06012015). Collection method: clinical testing. Allele origin: germline. Affected: yes.
Comment: This variant is considered likely benign or benign based on one or more of the following criteria: it is a conservative change, it occurs at a poorly conserved position in the protein, it is predicted to be benign by multiple in silico algorithms, and/or has population frequency not consistent with disease.

NM_001032382.2(PQBP1):c.690C>T (p.Gly230=)

Gene: PQBP1 (polyglutamine binding protein 1; plus strand). Cytogenetic location: Xp11.23.
Variant type: single nucleotide variant.
Coding change: c.690C>T on transcript NM_001032382.2 (MANE Select); coding-DNA position 690, C replaced by T.
Protein change: p.Gly230=; no amino-acid change (glycine 230 retained).
Molecular consequence: synonymous variant.
Genome position (GRCh38, 1-based): chrX:48,902,976, C>T. VCF-style: chrX-48902976-C-T. GRCh37 (hg19) VCF-style: chrX-48760253-C-T.
Other names: c.690C>T, p.Gly230= (NM_001032381.2, NM_001032383.2, NM_001032384.1 and 1 more transcripts); c.687C>T, p.Gly229= (NM_001167989.2); c.666C>T, p.Gly222= (NM_001167990.2); c.390C>T, p.Gly130= (NM_001167992.1); c.405C>T, p.Gly135= (NM_144495.3).
Identifiers: ClinVar variation 389921 (VCV000389921.4), dbSNP rs367752180, ClinGen allele CA10405986.
Genomic context (GRCh38, chrX:48,902,976, plus strand): 5'-TTTCACCGGCAGGGGCACGTGGTCAACAGGACTCCCCAAGCGGAATGAGGCCAAGACTGG[C>T]GCTGACACCACAGCAGCTGGGCCCCTCTTCCAGCAGCGGCCGTATCCATCCCCAGGGGCT-3'
Protein context (NP_001027554.1, residues 220-240): GLPKRNEAKT[Gly230=]ADTTAAGPLF